The following is an entry in ClinVar:

NM_003193.5(TBCE):c.1400-14T>C

Genes: B3GALNT2 (beta-1,3-N-acetylgalactosaminyltransferase 2; minus strand), TBCE (tubulin folding cofactor E; plus strand). Cytogenetic location: 1q42.3.
Variant type: single nucleotide variant.
Coding change: c.1400-14T>C on transcript NM_003193.5 (MANE Select); 14 bases into the intron before coding-DNA position 1400, T replaced by C.
Molecular consequence: intron variant. On other transcripts: 3 prime UTR variant (1).
Genome position (GRCh38, 1-based): chr1:235,448,335, T>C. VCF-style: chr1-235448335-T-C. GRCh37 (hg19) VCF-style: chr1-235611650-T-C.
Other names: c.*1871A>G (NM_152490.5); c.1400-14T>C (NM_001079515.3); c.1553-14T>C (NM_001287801.2); c.1061-14T>C (NM_001287802.2).
Identifiers: ClinVar variation 875575 (VCV000875575.11), dbSNP rs150827657, ClinGen allele CA1464469.

ClinVar aggregate classification (germline): Benign/Likely benign. Review status: criteria provided, multiple submitters, no conflicts (2 of 4 stars). 2 submissions from 2 submitters: Benign (1); Likely benign (1). Last evaluated 2026-01-22.

Conditions:
Hypoparathyroidism-retardation-dysmorphism syndrome (HRDS). Also called: SANJAD-SAKATI SYNDROME. Identifiers: Orphanet 2323, MedGen C1855840, MONDO:0009426, OMIM 241410.

Allele frequency attached by ClinVar (database versions not stated): TOPMed 0.00071; 1000 Genomes Project 30x 0.00078; 1000 Genomes Project 0.00100; ESP Exome Variant Server 0.00154; gnomAD exomes 0.00208 and 0.00310; gnomAD 0.00261 and 0.00276; ExAC 0.00268.
gnomAD v4.1: 3,384 of 1,613,370 alleles (0.21%); highest among the groups gnomAD compares: Non-Finnish European, 0.16%; 18 homozygotes.

Submissions (2):

Labcorp Genetics (formerly Invitae), Labcorp
Classification: Benign. Last evaluated: 2026-01-22. Review status: criteria provided, single submitter. Criteria: Invitae Variant Classification Sherloc (09022015). Collection method: clinical testing. Allele origin: germline.

Illumina Laboratory Services, Illumina
Classification: Likely benign for Hypoparathyroidism-retardation-dysmorphism syndrome. Last evaluated: 2018-01-13. Review status: criteria provided, single submitter. Criteria: ICSL Variant Classification Criteria 13 December 2019. Collection method: clinical testing. Allele origin: germline.
Comment: This variant was observed in the ICSL laboratory as part of a predisposition screen in an ostensibly healthy population. It had not been previously curated by ICSL or reported in the Human Gene Mutation Database (HGMD: prior to June 1st, 2018), and was therefore a candidate for classification through an automated scoring system. Utilizing variant allele frequency, disease prevalence and penetrance estimates, and inheritance mode, an automated score was calculated to assess if this variant is too frequent to cause the disease. Based on the score and internal cut-off values, a variant classified as likely benign is not then subjected to further curation. The score for this variant resulted in a classification of likely benign for this disease.